The following is an entry in ClinVar:

ClinVar aggregate classification (germline): Conflicting classifications of pathogenicity. Review status: criteria provided, conflicting classifications (1 of 4 stars). 5 submissions from 5 submitters: Uncertain significance (3); Likely benign (1). 1 of the submissions does not count toward it. Last evaluated 2024-03-16.

Conditions:
Inborn genetic diseases. Identifiers: MedGen C0950123, MeSH D030342.
Spastic paraplegia. Identifiers: MedGen C0037772, HP:0001258.
AP4E1-related disorder. Also called: AP4E1-related condition.

Allele frequency attached by ClinVar (database versions not stated): ExAC 0.00001; gnomAD 0.00003; gnomAD exomes 0.00003; TOPMed 0.00004.
gnomAD v4.1: 47 of 1,606,366 alleles (0.0029%); highest among the groups gnomAD compares: African/African-American, 0.0067%; no homozygotes.

Submissions (5):

Labcorp Genetics (formerly Invitae), Labcorp
Classification: Uncertain significance for Spastic paraplegia. Last evaluated: 2024-03-16. Review status: criteria provided, single submitter. Criteria: Invitae Variant Classification Sherloc (09022015). Collection method: clinical testing. Allele origin: germline.
Comment: This sequence change replaces glutamic acid, which is acidic and polar, with lysine, which is basic and polar, at codon 806 of the AP4E1 protein (p.Glu806Lys). This variant is present in population databases (rs756384880, gnomAD 0.006%). This variant has not been reported in the literature in individuals affected with AP4E1-related conditions. ClinVar contains an entry for this variant (Variation ID: 641707). Algorithms developed to predict the effect of missense changes on protein structure and function output the following: SIFT: "Not Available"; PolyPhen-2: "Benign"; Align-GVGD: "Not Available". The lysine amino acid residue is found in multiple mammalian species, which suggests that this missense change does not adversely affect protein function. In summary, the available evidence is currently insufficient to determine the role of this variant in disease. Therefore, it has been classified as a Variant of Uncertain Significance.

Ambry Genetics
Classification: Uncertain significance for Inborn genetic diseases. Last evaluated: 2022-07-11. Review status: criteria provided, single submitter. Criteria: Ambry Variant Classification Scheme 2023. Collection method: clinical testing. Allele origin: germline.

CeGaT Center for Human Genetics Tuebingen
Classification: Likely benign. Last evaluated: 2022-05-01. Review status: criteria provided, single submitter. Criteria: CeGaT Center For Human Genetics Tuebingen Variant Classification Criteria Version 2. Collection method: clinical testing. Allele origin: germline. Affected: yes. Observed: 1 variant allele.
Comment: AP4E1: BP4

Blueprint Genetics
Classification: Uncertain significance. Last evaluated: 2021-06-02. Review status: criteria provided, single submitter. Criteria: ACMG Guidelines, 2015. Collection method: clinical testing. Allele origin: germline.

PreventionGenetics, part of Exact Sciences
Classification: Uncertain significance for AP4E1-related condition. Last evaluated: 2024-04-30. Review status: no assertion criteria provided. Collection method: clinical testing. Allele origin: germline. Not counted in ClinVar's aggregate classification.
Comment: The AP4E1 c.2416G>A variant is predicted to result in the amino acid substitution p.Glu806Lys. To our knowledge, this variant has not been reported in the literature. This variant is reported in 0.0055% of alleles in individuals of East Asian descent in gnomAD. At this time, the clinical significance of this variant is uncertain due to the absence of conclusive functional and genetic evidence.

NM_007347.5(AP4E1):c.2416G>A (p.Glu806Lys)

Gene: AP4E1 (adaptor related protein complex 4 subunit epsilon 1; plus strand). Cytogenetic location: 15q21.2.
Variant type: single nucleotide variant.
Coding change: c.2416G>A on transcript NM_007347.5 (MANE Select); coding-DNA position 2416, G replaced by A.
Protein change: p.Glu806Lys; replaces glutamic acid 806 with lysine.
Molecular consequence: missense variant.
Genome position (GRCh38, 1-based): chr15:50,997,395, G>A. VCF-style: chr15-50997395-G-A. GRCh37 (hg19) VCF-style: chr15-51289592-G-A.
Other names: c.2191G>A, p.Glu731Lys (NM_001252127.2); c.2416G>A (NM_007347.3); short protein forms E731K, E806K.
Identifiers: ClinVar variation 641707 (VCV000641707.39), dbSNP rs756384880, ClinGen allele CA7559324.